The following is an entry in ClinVar:

ClinVar aggregate classification (germline): Conflicting classifications of pathogenicity. Review status: criteria provided, conflicting classifications (1 of 4 stars). 2 submissions from 2 submitters: Likely pathogenic (1); Uncertain significance (1). Last evaluated 2026-03-20.

Conditions:
Glycine encephalopathy 1 (GCE1). Identifiers: MedGen CN376801, MONDO:0958179, OMIM 605899.
Glycine encephalopathy. Also called: Non-ketotic hyperglycinemia; Nonketotic hyperglycinemia. Identifiers: Orphanet 407, MedGen C0751748, MONDO:0011612, HP:0008288.

gnomAD v4.1: 3 of 1,613,398 alleles (0.00019%); highest among the groups gnomAD compares: Middle Eastern, 0.033%; 1 homozygote.

Submissions (2):

Myriad Genetics, Inc.
Classification: Uncertain significance for Glycine encephalopathy 1. Last evaluated: 2026-03-20. Review status: criteria provided, single submitter. Criteria: Myriad Autosomal Dominant, Autosomal Recessive and X-Linked Classification Criteria (2023). Collection method: clinical testing. Allele origin: unknown.
Comment: NM_000170.2(GLDC):c.2092A>G(T698A) is a missense variant classified as a variant of uncertain significance in the context of glycine encephalopathy, GLDC-related. T698A has not been observed in cases with relevant disease. Relevant functional assessments of this variant are not available in the literature. T698A has not been observed in referenced population frequency databases. In summary, there is insufficient evidence to classify NM_000170.2(GLDC):c.2092A>G(T698A) as pathogenic or benign. Please note: this variant was assessed in the context of healthy population screening.

Labcorp Genetics (formerly Invitae), Labcorp
Classification: Likely pathogenic for Glycine encephalopathy. Last evaluated: 2024-07-31. Review status: criteria provided, single submitter. Criteria: Invitae Variant Classification Sherloc (09022015). Collection method: clinical testing. Allele origin: germline.
Comment: This sequence change replaces threonine, which is neutral and polar, with alanine, which is neutral and non-polar, at codon 698 of the GLDC protein (p.Thr698Ala). This variant is not present in population databases (gnomAD no frequency). This variant has not been reported in the literature in individuals affected with GLDC-related conditions. Advanced modeling of protein sequence and biophysical properties (such as structural, functional, and spatial information, amino acid conservation, physicochemical variation, residue mobility, and thermodynamic stability) performed at Invitae indicates that this missense variant is expected to disrupt GLDC protein function with a positive predictive value of 80%. This variant disrupts the p.Thr698 amino acid residue in GLDC. Other variant(s) that disrupt this residue have been determined to be pathogenic (PMID: 27362913). This suggests that this residue is clinically significant, and that variants that disrupt this residue are likely to be disease-causing. In summary, the currently available evidence indicates that the variant is pathogenic, but additional data are needed to prove that conclusively. Therefore, this variant has been classified as Likely Pathogenic.

Literature cited by the submitters: PubMed 27362913 (cited by Labcorp Genetics (formerly Invitae), Labcorp).

NM_000170.3(GLDC):c.2092A>G (p.Thr698Ala)

Gene: GLDC (glycine decarboxylase; minus strand). Cytogenetic location: 9p24.1.
Variant type: single nucleotide variant.
Coding change: c.2092A>G on transcript NM_000170.3 (MANE Select); coding-DNA position 2092, A replaced by G.
Protein change: p.Thr698Ala; replaces threonine 698 with alanine.
Molecular consequence: missense variant.
Genome position (GRCh38, 1-based): chr9:6,556,263, T>C on the plus strand (A>G on the coding strand, the complement: GLDC is on the minus strand). VCF-style: chr9-6556263-T-C. GRCh37 (hg19) VCF-style: chr9-6556263-T-C.
Other names: short protein forms T698A.
Identifiers: ClinVar variation 3720361 (VCV003720361.3).
Genomic context (GRCh38, chr9:6,556,263, plus strand): 5'-GGATGAGGTCACACACGTCACTGATGTTCTCTTCAAACACCCCATTGGTGGATGGGTATG[T>C]AATCATGATAGCTGCTAGGTTCTCCTTGTGCTTATCCACCTGTGAAAGAAAAGGGGTAGA-3'
Protein context (NP_000161.2, residues 688-708): HKENLAAIMI[Thr698Ala]YPSTNGVFEE